The following is an entry in ClinVar:

NM_000350.3(ABCA4):c.2243G>A (p.Cys748Tyr)

Gene: ABCA4 (ATP binding cassette subfamily A member 4; minus strand). Cytogenetic location: 1p22.1.
Variant type: single nucleotide variant.
Coding change: c.2243G>A on transcript NM_000350.3 (MANE Select); coding-DNA position 2243, G replaced by A.
Protein change: p.Cys748Tyr; replaces cysteine 748 with tyrosine.
Molecular consequence: missense variant.
Genome position (GRCh38, 1-based): chr1:94,056,740, C>T on the plus strand (G>A on the coding strand, the complement: ABCA4 is on the minus strand). VCF-style: chr1-94056740-C-T. GRCh37 (hg19) VCF-style: chr1-94522296-C-T.
Other names: short protein forms C748Y.
Identifiers: ClinVar variation 865967 (VCV000865967.3), dbSNP rs1660994342, ClinGen allele CA341277943.

ClinVar aggregate classification (germline): Uncertain significance. Review status: criteria provided, multiple submitters, no conflicts (2 of 4 stars). 2 submissions from 2 submitters: Uncertain significance (2). Last evaluated 2025-07-14.

Submissions (2):

Women's Health and Genetics/Laboratory Corporation of America, LabCorp
Classification: Uncertain significance. Last evaluated: 2025-07-14. Review status: criteria provided, single submitter. Criteria: LabCorp Variant Classification Summary - May 2015. Collection method: clinical testing. Allele origin: germline.
Comment: Variant summary: ABCA4 c.2243G>A (p.Cys748Tyr) results in a non-conservative amino acid change in the encoded protein sequence. Algorithms developed to predict the effect of missense changes on protein structure and function are either unavailable or do not agree on the potential impact of this missense change. The frequency data for this variant in gnomAD is considered unreliable, as metrics indicate poor data quality at this position. c.2243G>A has been observed in multiple compound heterozygous individuals affected with ABCA4-related disease, with one patient carrying two additional ABCA4 variants in cis and trans to the variant (e.g. Duno_2012, Zernant_2011). These data do not allow any conclusion about variant significance. To our knowledge, no experimental evidence demonstrating an impact on protein function has been reported. The following publications have been ascertained in the context of this evaluation (PMID: 22229821, 21911583). ClinVar contains an entry for this variant (Variation ID: 865967). Based on the evidence outlined above, the variant was classified as uncertain significance.

Blueprint Genetics
Classification: Uncertain significance. Last evaluated: 2019-07-09. Review status: criteria provided, single submitter. Criteria: ACMG Guidelines, 2015. Collection method: clinical testing. Allele origin: germline.

Literature cited by the submitters: PubMed 22229821 (cited by Women's Health and Genetics/Laboratory Corporation of America, LabCorp); PubMed 21911583 (cited by Women's Health and Genetics/Laboratory Corporation of America, LabCorp).